The following is an entry in ClinVar:

NM_020745.4(AARS2):c.1669C>T (p.Leu557Phe)

Gene: AARS2 (alanyl-tRNA synthetase 2, mitochondrial; minus strand). Cytogenetic location: 6p21.1.
Variant type: single nucleotide variant.
Coding change: c.1669C>T on transcript NM_020745.4 (MANE Select); coding-DNA position 1669, C replaced by T.
Protein change: p.Leu557Phe; replaces leucine 557 with phenylalanine.
Molecular consequence: missense variant.
Genome position (GRCh38, 1-based): chr6:44,304,728, G>A on the plus strand (C>T on the coding strand, the complement: AARS2 is on the minus strand). VCF-style: chr6-44304728-G-A. GRCh37 (hg19) VCF-style: chr6-44272465-G-A.
Other names: short protein forms L557F.
Identifiers: ClinVar variation 3767679 (VCV003767679.1).
Genomic context (GRCh38, chr6:44,304,728, plus strand): 5'-AGCCACGGTCTGAAGCCTGGCCCCCCTGTTCTGCGTAGAAGTTGGTCCTGTCCAAGAGGA[G>A]GCCACAGCGCTGGCCTTTCCCCACGGAGGCCACTGCTGTCCCGTCCTCTGTATACAGTTG-3'
Protein context (NP_065796.2, residues 547-567): ASVGKGQRCG[Leu557Phe]LLDRTNFYAE

ClinVar aggregate classification (germline): Uncertain significance (1 of 4 stars; one submission).

Submission:

GeneDx
Classification: Uncertain significance. Last evaluated: 2024-09-04. Review status: criteria provided, single submitter. Criteria: GeneDx Variant Classification Process June 2021. Collection method: clinical testing. Allele origin: germline. Affected: yes.
Comment: Not observed at significant frequency in large population cohorts (gnomAD); In silico analysis indicates that this missense variant does not alter protein structure/function; Has not been previously published as pathogenic or benign to our knowledge